The following is an entry in ClinVar:

ClinVar aggregate classification (germline): Uncertain significance. Review status: criteria provided, multiple submitters, no conflicts (2 of 4 stars). 2 submissions from 2 submitters: Uncertain significance (2). Last evaluated 2025-10-21.

Conditions:
Idiopathic Pulmonary Fibrosis. Also called: Idiopathic fibrosing alveolitis, chronic form; idiopathic fibrosing alveolitis. Identifiers: Orphanet 2032, MedGen C1800706, MeSH D054990, MONDO:0800504.
Dyskeratosis congenita, autosomal dominant 2. Identifiers: MedGen C3151443, MONDO:0013521, OMIM 613989.

Allele frequency attached by ClinVar (database versions not stated): TOPMed below 0.00001.

Submissions (2):

Mayo Clinic Laboratories, Mayo Clinic
Classification: Uncertain significance. Last evaluated: 2025-10-21. Review status: criteria provided, single submitter. Criteria: ACMG Guidelines, 2015. Collection method: clinical testing. Allele origin: germline. Observed: 1 variant allele.
Comment: PP3, PM2_supporting

Labcorp Genetics (formerly Invitae), Labcorp
Classification: Uncertain significance for Dyskeratosis congenita, autosomal dominant 2; Idiopathic Pulmonary Fibrosis. Last evaluated: 2025-09-13. Review status: criteria provided, single submitter. Criteria: Invitae Variant Classification Sherloc (09022015). Collection method: clinical testing. Allele origin: germline.
Comment: This sequence change replaces arginine, which is basic and polar, with tryptophan, which is neutral and slightly polar, at codon 390 of the TERT protein (p.Arg390Trp). This variant is not present in population databases (gnomAD no frequency). This variant has not been reported in the literature in individuals affected with TERT-related conditions. ClinVar contains an entry for this variant (Variation ID: 1055658). Invitae Evidence Modeling of protein sequence and biophysical properties (such as structural, functional, and spatial information, amino acid conservation, physicochemical variation, residue mobility, and thermodynamic stability) indicates that this missense variant is expected to disrupt TERT protein function with a positive predictive value of 95%. In summary, the available evidence is currently insufficient to determine the role of this variant in disease. Therefore, it has been classified as a Variant of Uncertain Significance.

NM_198253.3(TERT):c.1168C>T (p.Arg390Trp)

Gene: TERT (telomerase reverse transcriptase; minus strand). Cytogenetic location: 5p15.33.
Variant type: single nucleotide variant.
Coding change: c.1168C>T on transcript NM_198253.3 (MANE Select); coding-DNA position 1168, C replaced by T.
Protein change: p.Arg390Trp; replaces arginine 390 with tryptophan.
Molecular consequence: missense variant. On other transcripts: non-coding transcript variant (2).
Genome position (GRCh38, 1-based): chr5:1,293,718, G>A on the plus strand (C>T on the coding strand, the complement: TERT is on the minus strand). VCF-style: chr5-1293718-G-A. GRCh37 (hg19) VCF-style: chr5-1293833-G-A.
Other names: p.Arg390Trp; c.1168C>T, p.Arg390Trp (NM_001193376.3); short protein forms R390W.
Identifiers: ClinVar variation 1055658 (VCV001055658.10), dbSNP rs1751155596, ClinGen allele CA359086663.